The following is an entry in ClinVar:

NM_004984.4(KIF5A):c.272G>A (p.Gly91Glu)

Gene: KIF5A (kinesin family member 5A; plus strand). Cytogenetic location: 12q13.3.
Variant type: single nucleotide variant.
Coding change: c.272G>A on transcript NM_004984.4 (MANE Select); coding-DNA position 272, G replaced by A.
Protein change: p.Gly91Glu; replaces glycine 91 with glutamic acid.
Molecular consequence: missense variant. On other transcripts: intron variant (1).
Genome position (GRCh38, 1-based): chr12:57,563,674, G>A. VCF-style: chr12-57563674-G-A. GRCh37 (hg19) VCF-style: chr12-57957457-G-A.
Other names: c.130-786G>A (NM_001354705.2); short protein forms G91E.
Identifiers: ClinVar variation 2100940 (VCV002100940.4), dbSNP rs2540493234, ClinGen allele CA385493592.

ClinVar aggregate classification (germline): Uncertain significance (1 of 4 stars; one submission).

Conditions:
Spastic paraplegia. Identifiers: MedGen C0037772, HP:0001258.

Submission:

Labcorp Genetics (formerly Invitae), Labcorp
Classification: Uncertain significance for Spastic paraplegia. Last evaluated: 2022-02-21. Review status: criteria provided, single submitter. Criteria: Invitae Variant Classification Sherloc (09022015). Collection method: clinical testing. Allele origin: germline.
Comment: In summary, the available evidence is currently insufficient to determine the role of this variant in disease. Therefore, it has been classified as a Variant of Uncertain Significance. Advanced modeling of protein sequence and biophysical properties (such as structural, functional, and spatial information, amino acid conservation, physicochemical variation, residue mobility, and thermodynamic stability) performed at Invitae indicates that this missense variant is expected to disrupt KIF5A protein function. This variant has not been reported in the literature in individuals affected with KIF5A-related conditions. This variant is not present in population databases (gnomAD no frequency). This sequence change replaces glycine, which is neutral and non-polar, with glutamic acid, which is acidic and polar, at codon 91 of the KIF5A protein (p.Gly91Glu).